The following is an entry in ClinVar:

ClinVar aggregate classification (germline): Pathogenic/Likely pathogenic. Review status: criteria provided, multiple submitters, no conflicts (2 of 4 stars). 8 submissions from 8 submitters: Pathogenic (6); Likely pathogenic (1). 1 of the submissions does not count toward it. Last evaluated 2025-02-26.

Conditions:
CHD2-related disorder. Also called: CHD2-related condition.
Developmental and epileptic encephalopathy 94 (DEE94). Also called: Epileptic encephalopathy, childhood-onset; CHD2-Related Neurodevelopmental Disorders. Identifiers: Orphanet 1942, Orphanet 2382, MedGen C3809278, MONDO:0014150, OMIM 615369.
Inborn genetic diseases. Identifiers: MedGen C0950123, MeSH D030342.
Intellectual disability. Also called: intellectual disabilities; Intellectual functioning disability; Intellectual developmental disorder. Identifiers: MedGen C3714756, MeSH D008607, MONDO:0001071, HP:0001249.

Submissions (8):

Labcorp Genetics (formerly Invitae), Labcorp
Classification: Pathogenic for Developmental and epileptic encephalopathy 94. Last evaluated: 2025-02-26. Review status: criteria provided, single submitter. Criteria: Invitae Variant Classification Sherloc (09022015). Collection method: clinical testing. Allele origin: germline.
Comment: This sequence change replaces arginine, which is basic and polar, with tryptophan, which is neutral and slightly polar, at codon 699 of the CHD2 protein (p.Arg699Trp). This variant is not present in population databases (gnomAD no frequency). This missense change has been observed in individual(s) with clinical features of CHD2-related conditions (PMID: 31785789, 33004838; internal data). In at least one individual the variant was observed to be de novo. This variant is also known as c.2134C>T (p.Arg712Trp) and 15:93510649C>T. ClinVar contains an entry for this variant (Variation ID: 429658). Invitae Evidence Modeling of protein sequence and biophysical properties (such as structural, functional, and spatial information, amino acid conservation, physicochemical variation, residue mobility, and thermodynamic stability) indicates that this missense variant is expected to disrupt CHD2 protein function with a positive predictive value of 95%. For these reasons, this variant has been classified as Pathogenic.

Ambry Genetics
Classification: Pathogenic for Inborn genetic diseases. Last evaluated: 2024-09-27. Review status: criteria provided, single submitter. Criteria: Ambry Variant Classification Scheme 2023. Collection method: clinical testing. Allele origin: germline.
Comment: The p.R699W pathogenic mutation (also known as c.2095C>T), located in coding exon 16 of the CHD2 gene, results from a C to T substitution at nucleotide position 2095. The arginine at codon 699 is replaced by tryptophan, an amino acid with dissimilar properties. This variant has been determined to be the result of a de novo mutation or germline mosaicism in individuals with features consistent with CHD2-related developmental and epileptic encephalopathy (De Maria B et al. Am J Med Genet A, 2022 Feb;188(2):522-533; Feng W et al. Pediatr Investig, 2022 Jun;6(2):93-99). This amino acid position is highly conserved in available vertebrate species. In addition, this alteration is predicted to be deleterious by in silico analysis. Based on the supporting evidence, this variant is interpreted as a disease-causing mutation.

CeGaT Center for Human Genetics Tuebingen
Classification: Pathogenic. Last evaluated: 2024-05-01. Review status: criteria provided, single submitter. Criteria: CeGaT Center For Human Genetics Tuebingen Variant Classification Criteria Version 2. Collection method: clinical testing. Allele origin: germline. Affected: yes. Observed: 1 variant allele.
Comment: CHD2: PS2, PM2, PS4:Moderate, PP2, PP3

GeneDx
Classification: Pathogenic. Last evaluated: 2022-06-14. Review status: criteria provided, single submitter. Criteria: GeneDx Variant Classification Process June 2021. Collection method: clinical testing. Allele origin: germline. Affected: yes.
Comment: Not observed at significant frequency in large population cohorts (gnomAD); In silico analysis supports that this missense variant has a deleterious effect on protein structure/function; This variant is associated with the following publications: (PMID: 31785789, 33004838)

Blueprint Genetics
Classification: Pathogenic for CHD2-related disorders. Last evaluated: 2022-03-25. Review status: criteria provided, single submitter. Criteria: ACMG Guidelines, 2015. Collection method: clinical testing. Allele origin: de novo. Affected: yes. Observed: 2 variant alleles.

Diagnostic Laboratory, Strasbourg University Hospital
Classification: Pathogenic for Intellectual disability. Last evaluated: 2020-09-10. Review status: criteria provided, single submitter. Criteria: ACMG Guidelines, 2015. Collection method: clinical testing. Allele origin: de novo. Affected: yes. Observed: 1 heterozygote.

Cytogénomique, Hospices Civils de Lyon
Classification: Likely pathogenic for Developmental and epileptic encephalopathy 94. Last evaluated: 2017-07-12. Review status: criteria provided, single submitter. Criteria: ACMG Guidelines, 2015. Collection method: clinical testing. Allele origin: de novo. Inheritance: Autosomal dominant inheritance. Affected: yes.

Molecular Genetics Laboratory, BC Children's and BC Women's Hospitals
Classification: Likely pathogenic for Developmental and epileptic encephalopathy 94. Last evaluated: 2016-09-30. Review status: no assertion criteria provided. Criteria: ACMG Guidelines, 2015. Collection method: clinical testing. Allele origin: de novo. Affected: yes. Not counted in ClinVar's aggregate classification.

Literature cited by the submitters: PubMed 31785789 (cited by Labcorp Genetics (formerly Invitae), Labcorp); PubMed 33004838 (cited by Labcorp Genetics (formerly Invitae), Labcorp).

NM_001271.4(CHD2):c.2095C>T (p.Arg699Trp)

Gene: CHD2 (chromodomain helicase DNA binding protein 2; plus strand). Cytogenetic location: 15q26.1.
Variant type: single nucleotide variant.
Coding change: c.2095C>T on transcript NM_001271.4 (MANE Select); coding-DNA position 2095, C replaced by T.
Protein change: p.Arg699Trp; replaces arginine 699 with tryptophan.
Molecular consequence: missense variant.
Genome position (GRCh38, 1-based): chr15:92,967,419, C>T. VCF-style: chr15-92967419-C-T. GRCh37 (hg19) VCF-style: chr15-93510649-C-T.
Other names: short protein forms R699W.
Identifiers: ClinVar variation 429658 (VCV000429658.41), dbSNP rs1131691515, ClinGen allele CA393907202.